The following is an entry in ClinVar:

NM_004364.5(CEBPA):c.352G>A (p.Ala118Thr)

Gene: CEBPA (CCAAT enhancer binding protein alpha; minus strand). Cytogenetic location: 19q13.11.
Variant type: single nucleotide variant.
Coding change: c.352G>A on transcript NM_004364.5 (MANE Select); coding-DNA position 352, G replaced by A.
Protein change: p.Ala118Thr; replaces alanine 118 with threonine.
Molecular consequence: missense variant. On other transcripts: 5 prime UTR variant (1).
Genome position (GRCh38, 1-based): chr19:33,302,063, C>T on the plus strand (G>A on the coding strand, the complement: CEBPA is on the minus strand). VCF-style: chr19-33302063-C-T. GRCh37 (hg19) VCF-style: chr19-33792969-C-T.
Other names: c.457G>A, p.Ala153Thr (NM_001287424.2); c.310G>A, p.Ala104Thr (NM_001287435.2); c.-6G>A (NM_001285829.2); short protein forms A104T, A118T, A153T.
Identifiers: ClinVar variation 2680567 (VCV002680567.2), dbSNP rs2145262757, ClinGen allele CA405275130.
Genomic context (GRCh38, chr19:33,302,063, plus strand): 5'-AGCCGGCGGCCGCGCAGCCGTAGCCGGGCGGGGGCCCGTGCGCTCCCCCGGGCATGACGG[C>T]GCCGCCGGGGCCCGCGGGCGCGCCCGGGTAGTCAAAGTCGCCGCCGCCGCCGCCGCCCGT-3'
Protein context (NP_004355.2, residues 108-128): YPGAPAGPGG[Ala118Thr]VMPGGAHGPP

ClinVar aggregate classification (germline): Uncertain significance. Review status: criteria provided, multiple submitters, no conflicts (2 of 4 stars). 2 submissions from 2 submitters: Uncertain significance (2). Last evaluated 2026-04-13.

Conditions:
Acute myeloid leukemia (AML). Also called: Acute myeloid leukemia, adult; AML adult; Acute non-lymphocytic leukemia; Acute granulocytic leukemia; Leukemia, acute myelogenous, somatic; Leukemia, acute myeloid, somatic. Identifiers: Orphanet 519, MedGen C0023467, MeSH D015470, MONDO:0018874, OMIM 601626, HP:0004808. Disease mechanism: Constitutively activated FLT3.
Inborn genetic diseases. Identifiers: MedGen C0950123, MeSH D030342.

Submissions (2):

Ambry Genetics
Classification: Uncertain significance for Inborn genetic diseases. Last evaluated: 2026-04-13. Review status: criteria provided, single submitter. Criteria: Ambry Variant Classification Scheme 2023. Collection method: clinical testing. Allele origin: germline.
Comment: The p.A118T variant (also known as c.352G>A), located in coding exon 1 of the CEBPA gene, results from a G to A substitution at nucleotide position 352. The alanine at codon 118 is replaced by threonine, an amino acid with similar properties. This amino acid position is conserved. In addition, this alteration is predicted to be tolerated by in silico analysis. Based on the available evidence, the clinical significance of this variant remains unclear.

Baylor Genetics
Classification: Uncertain significance for Acute myeloid leukemia. Last evaluated: 2023-05-08. Review status: criteria provided, single submitter. Criteria: ACMG Guidelines, 2015. Collection method: clinical testing. Allele origin: unknown.